The following is an entry in ClinVar:

ClinVar aggregate classification (germline): Conflicting classifications of pathogenicity. Review status: criteria provided, conflicting classifications (1 of 4 stars). 3 submissions from 2 submitters: Uncertain significance (2); Benign (1). Last evaluated 2018-01-13.

Conditions:
Familial hyperinsulinism. Also called: Congenital hyperinsulinism. Identifiers: Orphanet 276525, MedGen C3888018, MONDO:0017182. Disease mechanism: loss of function.
Maturity-onset diabetes of the young type 1. Also called: MILD JUVENILE DIABETES MELLITUS; MODY, type I; MODY type 1; Diabetes mellitus MODY type 1; MODY HNF4A related; HNF4A-Related Maturity-Onset Diabetes of the Young Type 1. Identifiers: Orphanet 552, MedGen C1852093, MONDO:0007452, OMIM 125850. Disease mechanism: loss of function.
Maturity-onset diabetes of the young (MODY). Also called: Maturity onset diabetes mellitus in young. Identifiers: Orphanet 552, MedGen C0342276, MONDO:0018911, HP:0004904.

Allele frequency attached by ClinVar (database versions not stated): gnomAD 0.00048 and 0.00049; TOPMed 0.00049.

Submissions (3):

Illumina Laboratory Services, Illumina
Classification: Uncertain significance for Familial hyperinsulinism. Last evaluated: 2018-01-13. Review status: criteria provided, single submitter. Criteria: ICSL Variant Classification Criteria 13 December 2019. Collection method: clinical testing. Allele origin: germline.

Illumina Laboratory Services, Illumina
Classification: Uncertain significance for Maturity-onset diabetes of the young type 1. Last evaluated: 2018-01-13. Review status: criteria provided, single submitter. Criteria: ICSL Variant Classification Criteria 13 December 2019. Collection method: clinical testing. Allele origin: germline.

Clinical Genomics, Uppaluri K&H Personalized Medicine Clinic
Classification: Benign for Maturity-onset diabetes of the young. Review status: criteria provided, single submitter. Criteria: K & H Uppaluri Personalized Medicine Clinic Variant Classification & Assertion Criteria_Updated V.1. Collection method: research. Allele origin: unknown. Inheritance: Autosomal dominant inheritance.
Comment: Potent mutations in HNF4A are associated with poor insulin secretion in response to hyperglycemia. Associated with MODY1. Patients initially respond well to sulfonylureas but eventually become insulin dependent. However, more evidence is required to ascertain the role of this particular variant rs770250175 in MODY, yet.

Literature cited by the submitters: DOI 10.1159/000334532 (cited by Clinical Genomics, Uppaluri K&H Personalized Medicine Clinic); PubMed 18268044 (cited by Clinical Genomics, Uppaluri K&H Personalized Medicine Clinic); PubMed 17563455 (cited by Clinical Genomics, Uppaluri K&H Personalized Medicine Clinic); PubMed 32583173 (cited by Clinical Genomics, Uppaluri K&H Personalized Medicine Clinic); PubMed 35052457 (cited by Clinical Genomics, Uppaluri K&H Personalized Medicine Clinic); PubMed 35118593 (cited by Clinical Genomics, Uppaluri K&H Personalized Medicine Clinic).

NM_175914.5(HNF4A):c.*2992C>T

Gene: HNF4A (hepatocyte nuclear factor 4 alpha; plus strand). Cytogenetic location: 20q13.12.
Variant type: single nucleotide variant.
Coding change: c.*2992C>T on transcript NM_175914.5 (MANE Select); 2992 bases downstream of the stop codon, C replaced by T.
Molecular consequence: 3 prime UTR variant.
Genome position (GRCh38, 1-based): chr20:44,432,657, C>T. VCF-style: chr20-44432657-C-T. GRCh37 (hg19) VCF-style: chr20-43061297-C-T.
Other names: c.*2992C>T (NM_000457.6, NM_001030003.3, NM_001258355.2 and 3 more transcripts).
Identifiers: ClinVar variation 338489 (VCV000338489.6), dbSNP rs770250175, ClinGen allele CA10649755.